The following is an entry in ClinVar:

ClinVar aggregate classification (germline): Uncertain significance (1 of 4 stars; one submission).

Conditions:
GPI-related disorder. Also called: GPI-related condition.

gnomAD v4.1: 2 of 1,613,972 alleles (0.00012%); highest among the groups gnomAD compares: African/African-American, 0.0027%; no homozygotes.

Submission:

PreventionGenetics, part of Exact Sciences
Classification: Uncertain significance for GPI-related condition. Last evaluated: 2025-04-10. Review status: criteria provided, single submitter. Criteria: ACMG Guidelines, 2015. Collection method: clinical testing. Allele origin: germline.
Comment: The GPI c.1483G>A variant is predicted to result in the amino acid substitution p.Glu495Lys. This variant was reported in the compound heterozygous state in an individual with glucosephosphate isomerase deficiency (Xu et al. 1994. PubMed ID: 7989588). This variant is reported in 0.0062% of alleles in individuals of African descent in gnomAD. At this time, the clinical significance of this variant is uncertain due to the absence of conclusive functional and genetic evidence.

NM_000175.5(GPI):c.1483G>A (p.Glu495Lys)

Gene: GPI (glucose-6-phosphate isomerase; plus strand). Cytogenetic location: 19q13.11.
Variant type: single nucleotide variant.
Coding change: c.1483G>A on transcript NM_000175.5 (MANE Select); coding-DNA position 1483, G replaced by A.
Protein change: p.Glu495Lys; replaces glutamic acid 495 with lysine.
Molecular consequence: missense variant.
Genome position (GRCh38, 1-based): chr19:34,399,727, G>A. VCF-style: chr19-34399727-G-A. GRCh37 (hg19) VCF-style: chr19-34890632-G-A.
Other names: c.1516G>A, p.Glu506Lys (NM_001184722.1); c.1600G>A, p.Glu534Lys (NM_001289789.1, NM_001440422.1); c.1399G>A, p.Glu467Lys (NM_001289790.3); c.1483G>A, p.Glu495Lys (NM_001329909.1, NM_001329910.1); c.1456G>A, p.Glu486Lys (NM_001329911.2); short protein forms E506K, E486K, E495K, E467K, E534K.
Identifiers: ClinVar variation 4990248 (VCV004990248.1).
Genomic context (GRCh38, chr19:34,399,727, plus strand): 5'-GGTTGGAATGGGCTTGTGGAGCCCTGATGTGCCCTGTCTGTCACTTCTGCAGCCATGTAT[G>A]AGCACAAGATCTTCGTTCAGGGCATCATCTGGGACATCAACAGCTTTGACCAGTGGGGGT-3'
Protein context (NP_000166.2, residues 485-505): FMLGALVAMY[Glu495Lys]HKIFVQGIIW